The following is an entry in ClinVar:

NM_001394862.1(PRB3):c.594A>G (p.Pro198=)

Gene: PRB3 (proline rich protein BstNI subfamily 3; minus strand). Cytogenetic location: 12p13.2.
Variant type: single nucleotide variant.
Coding change: c.594A>G on transcript NM_001394862.1 (MANE Select); coding-DNA position 594, A replaced by G.
Protein change: p.Pro198=; no amino-acid change (proline 198 retained).
Molecular consequence: synonymous variant.
Genome position (GRCh38, 1-based): chr12:11,267,655, T>C on the plus strand (A>G on the coding strand, the complement: PRB3 is on the minus strand). VCF-style: chr12-11267655-T-C. GRCh37 (hg19) VCF-style: chr12-11420589-T-C.
Other names: c.594A>G, p.Pro198= (NM_006249.5).
Identifiers: ClinVar variation 4872078 (VCV004872078.2).
Genomic context (GRCh38, chr12:11,267,655, plus strand): 5'-GGGACCTTGGGACTGGTTTCCTCCTTGTGGGGGTGGTCCTTCTGGCTTTCCCGGACGAGG[T>C]GGGGGACCTTGGGACTGGTTTCCTCCTTGTGGGGGTGGTCCTTCTGGCTTTCCCGGATGA-3'
Protein context (NP_001381791.1, residues 188-208): PQGGNQSQGP[Pro198=]PRPGKPEGPP

ClinVar aggregate classification (germline): Likely benign (1 of 4 stars; one submission).

Submission:

CeGaT Center for Human Genetics Tuebingen
Classification: Likely benign. Last evaluated: 2026-06-01. Review status: criteria provided, single submitter. Criteria: CeGaT Center For Human Genetics Tuebingen Variant Classification Criteria Version 2. Collection method: clinical testing. Allele origin: germline. Affected: yes. Observed: 1 variant allele.
Comment: PRB3: BP4, BP7